The following is an entry in ClinVar:

NM_001201543.2(FAM161A):c.2006+1G>A

Gene: FAM161A (FAM161 centrosomal protein A; minus strand). Cytogenetic location: 2p15.
Variant type: single nucleotide variant.
Coding change: c.2006+1G>A on transcript NM_001201543.2 (MANE Select); the canonical splice donor site of the intron after coding-DNA position 2006, G replaced by A.
Molecular consequence: splice donor variant.
Genome position (GRCh38, 1-based): chr2:61,827,103, C>T on the plus strand (G>A on the coding strand, the complement: FAM161A is on the minus strand). VCF-style: chr2-61827103-C-T. GRCh37 (hg19) VCF-style: chr2-62054238-C-T.
Other names: c.2006+1G>A (NM_001201543.1); c.1838+1G>A (NM_032180.3).
Identifiers: ClinVar variation 2675387 (VCV002675387.1), dbSNP rs753144249, ClinGen allele CA1678977.

ClinVar aggregate classification (germline): Likely pathogenic. Review status: criteria provided, multiple submitters, no conflicts (2 of 4 stars). 2 submissions from 2 submitters: Likely pathogenic (2). Last evaluated 2025-09-03.

Conditions:
Retinitis pigmentosa 28 (RP28). Identifiers: Orphanet 791, MedGen C1419614, MONDO:0011630, OMIM 606068.

Allele frequency attached by ClinVar (database versions not stated): gnomAD exomes below 0.00001; ExAC 0.00001.
gnomAD v4.1: 6 of 1,613,362 alleles (0.00037%); highest among the groups gnomAD compares: South Asian, 0.0066%; no homozygotes.

Submissions (2):

First Genomix Gene Laboratory, Genetic Diagnostics Department
Classification: Likely pathogenic for Retinitis pigmentosa 28. Last evaluated: 2025-09-03. Review status: criteria provided, single submitter. Criteria: ACMG Guidelines, 2015. Collection method: clinical testing. Allele origin: germline. Inheritance: Autosomal recessive inheritance. Affected: no. Observed: 1 variant allele.

Baylor Genetics
Classification: Likely pathogenic for Retinitis pigmentosa 28. Last evaluated: 2023-02-13. Review status: criteria provided, single submitter. Criteria: ACMG Guidelines, 2015. Collection method: clinical testing. Allele origin: unknown.